The following is an entry in ClinVar:

GRCh38/hg38 5p15.33(chr5:22149-86251)x3

Gene: LOC123493256 (Sharpr-MPRA regulatory region 259; plus strand). Cytogenetic location: 5p15.33.
Variant type: copy number gain.
Change: copy number 3 (three copies instead of two) of chr5:22,149-86,251 (64.1 kb, GRCh38 coordinates, 1-based), cytogenetic band 5p15.33.
Identifiers: ClinVar variation 146849 (VCV000146849.2).

ClinVar aggregate classification (germline): Benign/Likely benign (0 of 4 stars; one submission).

Submission:

ISCA site 4
Classification: Benign/Likely benign. Last evaluated: 2012-09-21. Review status: no assertion criteria provided. Collection method: clinical testing. Allele origin: unknown. Affected: yes. Observed: 2 variant alleles.
Comment: Likely benign (1), Benign (1)

Copy number variation identified through the course of routine clinical cytogenomic testing in postnatal populations, with clinical assertions as classified by the original submitter.